The following is an entry in ClinVar:

NM_001134363.3(RBM20):c.2435C>T (p.Thr812Ile)

Gene: RBM20 (RNA binding motif protein 20; plus strand). Cytogenetic location: 10q25.2.
Variant type: single nucleotide variant.
Coding change: c.2435C>T on transcript NM_001134363.3 (MANE Select); coding-DNA position 2435, C replaced by T.
Protein change: p.Thr812Ile; replaces threonine 812 with isoleucine.
Molecular consequence: missense variant.
Genome position (GRCh38, 1-based): chr10:110,812,832, C>T. VCF-style: chr10-110812832-C-T. GRCh37 (hg19) VCF-style: chr10-112572590-C-T.
Other names: short protein forms T812I.
Identifiers: ClinVar variation 2740643 (VCV002740643.3), dbSNP rs1289024098, ClinGen allele CA378374024.

ClinVar aggregate classification (germline): Uncertain significance (1 of 4 stars; one submission).

Conditions:
Dilated cardiomyopathy 1DD (CMD1DD). Identifiers: Orphanet 154, MedGen C2750995, MONDO:0013168, OMIM 613172.

Submission:

Labcorp Genetics (formerly Invitae), Labcorp
Classification: Uncertain significance for Dilated cardiomyopathy 1DD. Last evaluated: 2025-09-15. Review status: criteria provided, single submitter. Criteria: Invitae Variant Classification Sherloc (09022015). Collection method: clinical testing. Allele origin: germline.
Comment: This sequence change replaces threonine, which is neutral and polar, with isoleucine, which is neutral and non-polar, at codon 812 of the RBM20 protein (p.Thr812Ile). This variant is not present in population databases (gnomAD no frequency). This variant has not been reported in the literature in individuals affected with RBM20-related conditions. ClinVar contains an entry for this variant (Variation ID: 2740643). Invitae Evidence Modeling of protein sequence and biophysical properties (such as structural, functional, and spatial information, amino acid conservation, physicochemical variation, residue mobility, and thermodynamic stability) indicates that this missense variant is not expected to disrupt RBM20 protein function with a negative predictive value of 95%. In summary, the available evidence is currently insufficient to determine the role of this variant in disease. Therefore, it has been classified as a Variant of Uncertain Significance.